The following is an entry in ClinVar:

ClinVar aggregate classification (germline): Likely benign. Review status: criteria provided, multiple submitters, no conflicts (2 of 4 stars). 2 submissions from 2 submitters: Likely benign (2). Last evaluated 2025-01-15.

gnomAD v4.1: 20 of 1,590,850 alleles (0.0013%); highest among the groups gnomAD compares: South Asian, 0.0023%; no homozygotes.

Submissions (2):

Labcorp Genetics (formerly Invitae), Labcorp
Classification: Likely benign. Last evaluated: 2025-01-15. Review status: criteria provided, single submitter. Criteria: Invitae Variant Classification Sherloc (09022015). Collection method: clinical testing. Allele origin: germline.

Women's Health and Genetics/Laboratory Corporation of America, LabCorp
Classification: Likely benign. Last evaluated: 2023-10-13. Review status: criteria provided, single submitter. Criteria: LabCorp Variant Classification Summary - May 2015. Collection method: clinical testing. Allele origin: germline.
Comment: Variant summary: DNA2 c.74+12G>A alters a non-conserved nucleotide located at a position not widely known to affect splicing. Consensus agreement among computation tools predict no significant impact on normal splicing. However, these predictions have yet to be confirmed by functional studies. The variant allele was found at a frequency of 8.8e-06 in 228120 control chromosomes. The available data on variant occurrences in the general population are insufficient to allow any conclusion about variant significance. To our knowledge, no occurrence of c.74+12G>A in individuals affected with Progressive External Ophthalmoplegia With Mitochondrial DNA Deletions, Autosomal Dominant 6 and no experimental evidence demonstrating its impact on protein function have been reported. No submitters have cited clinical-significance assessments for this variant to ClinVar after 2014. Based on the evidence outlined above, the variant was classified as likely benign.

NM_001080449.3(DNA2):c.74+12G>A

Gene: DNA2 (DNA replication helicase/nuclease 2; minus strand). Cytogenetic location: 10q21.3.
Variant type: single nucleotide variant.
Coding change: c.74+12G>A on transcript NM_001080449.3 (MANE Select); 12 bases into the intron after coding-DNA position 74, G replaced by A.
Molecular consequence: intron variant.
Genome position (GRCh38, 1-based): chr10:68,471,779, C>T on the plus strand (G>A on the coding strand, the complement: DNA2 is on the minus strand). VCF-style: chr10-68471779-C-T. GRCh37 (hg19) VCF-style: chr10-70231536-C-T.
Identifiers: ClinVar variation 2637713 (VCV002637713.4), dbSNP rs762289354, ClinGen allele CA5525403.
Genomic context (GRCh38, chr10:68,471,779, plus strand): 5'-GGACGCAGCCTCTCCCGCTCCTTCTTTCAAATCTCCCGCTTTGTTCCCACACCCTCCCCC[C>T]TCTCCGCTCACAGCTCCGCCGGCAGCTCCGCCTCCTCCCAAAAACTCTTCTCCATCAGCA-3'